The following is an entry in ClinVar:

ClinVar aggregate classification (germline): Uncertain significance (1 of 4 stars; one submission).

Submission:

Labcorp Genetics (formerly Invitae), Labcorp
Classification: Uncertain significance. Last evaluated: 2025-03-26. Review status: criteria provided, single submitter. Criteria: Invitae Variant Classification Sherloc (09022015). Collection method: clinical testing. Allele origin: germline.
Comment: This sequence change replaces valine, which is neutral and non-polar, with isoleucine, which is neutral and non-polar, at codon 497 of the SON protein (p.Val497Ile). This variant is present in population databases (rs774692374, gnomAD 0.0009%). This variant has not been reported in the literature in individuals affected with SON-related conditions. An algorithm developed to predict the effect of missense changes on protein structure and function (PolyPhen-2) suggests that this variant is likely to be tolerated. In summary, the available evidence is currently insufficient to determine the role of this variant in disease. Therefore, it has been classified as a Variant of Uncertain Significance.

NM_138927.4(SON):c.1489G>A (p.Val497Ile)

Genes: MIR6501 (microRNA 6501; plus strand), SON (SON DNA and RNA binding protein; plus strand). Cytogenetic location: 21q22.11.
Variant type: single nucleotide variant.
Coding change: c.1489G>A on transcript NM_138927.4 (MANE Select); coding-DNA position 1489, G replaced by A.
Protein change: p.Val497Ile; replaces valine 497 with isoleucine.
Molecular consequence: missense variant. On other transcripts: non-coding transcript variant (2), intron variant (1).
Genome position (GRCh38, 1-based): chr21:33,550,720, G>A. VCF-style: chr21-33550720-G-A. GRCh37 (hg19) VCF-style: chr21-34923026-G-A.
Other names: c.1489G>A, p.Val497Ile (NM_001291411.2, NM_032195.3); c.244+4341G>A (NM_001291412.3); short protein forms V497I.
Identifiers: ClinVar variation 4782272 (VCV004782272.1).